The following is an entry in ClinVar:

ClinVar aggregate classification (germline): Uncertain significance (1 of 4 stars; one submission).

Conditions:
Fanconi anemia (FA). Also called: Fanconi's anemia. Identifiers: Orphanet 84, MedGen C0015625, MeSH D005199, MONDO:0019391.

Allele frequency attached by ClinVar (database versions not stated): TOPMed below 0.00001.

Submission:

Sema4
Classification: Uncertain significance for Fanconi anemia. Last evaluated: 2021-12-01. Review status: criteria provided, single submitter. Criteria: Sema4 Curation Guidelines. Collection method: curation. Allele origin: germline.
Comment: The FANCD2 c.1555G>A (p.D519N) variant has not been reported in the literature to our knowledge. It was not observed in the large and broad cohorts of the Genome Aggregation Database. The variant has not been reported in ClinVar. Functional studies have not been performed, and in silico predictions of the variant's effect on protein function are inconclusive. The evidence is insufficient to meet ACMG/AMP criteria for classifying the variant as benign or pathogenic. Thus, the clinical significance of this variant is currently uncertain.

NM_001018115.3(FANCD2):c.1555G>A (p.Asp519Asn)

Genes: FANCD2 (FA complementation group D2; plus strand), LOC107303338 (3p25 FANCD2 Alu-mediated recombination region; plus strand). Cytogenetic location: 3p25.3.
Variant type: single nucleotide variant.
Coding change: c.1555G>A on transcript NM_001018115.3 (MANE Select); coding-DNA position 1555, G replaced by A.
Protein change: p.Asp519Asn; replaces aspartic acid 519 with asparagine.
Molecular consequence: missense variant. On other transcripts: intron variant (1).
Genome position (GRCh38, 1-based): chr3:10,052,396, G>A. VCF-style: chr3-10052396-G-A. GRCh37 (hg19) VCF-style: chr3-10094080-G-A.
Other names: c.1555G>A, p.Asp519Asn (NM_001319984.2, NM_001374254.1, NM_033084.6); c.1545+2891G>A (NM_001374253.1); short protein forms D519N.
Identifiers: ClinVar variation 1692033 (VCV001692033.1), dbSNP rs780491203, ClinGen allele CA351739757.